The following is an entry in ClinVar:

NM_015202.5(KATNIP):c.900A>G (p.Gln300=)

Gene: KATNIP (katanin interacting protein; plus strand). Cytogenetic location: 16p12.1.
Variant type: single nucleotide variant.
Coding change: c.900A>G on transcript NM_015202.5 (MANE Select); coding-DNA position 900, A replaced by G.
Protein change: p.Gln300=; no amino-acid change (glutamine 300 retained).
Molecular consequence: synonymous variant.
Genome position (GRCh38, 1-based): chr16:27,681,490, A>G. VCF-style: chr16-27681490-A-G. GRCh37 (hg19) VCF-style: chr16-27692811-A-G.
Identifiers: ClinVar variation 742818 (VCV000742818.30), dbSNP rs150021148, ClinGen allele CA7977488.

ClinVar aggregate classification (germline): Likely benign. Review status: criteria provided, multiple submitters, no conflicts (2 of 4 stars). 3 submissions from 3 submitters: Likely benign (3). Last evaluated 2025-09-21.

Allele frequency attached by ClinVar (database versions not stated): ExAC 0.00011; gnomAD 0.00011; TOPMed 0.00011; gnomAD exomes 0.00014 and 0.00034; ESP Exome Variant Server 0.00015.

Submissions (3):

Labcorp Genetics (formerly Invitae), Labcorp
Classification: Likely benign. Last evaluated: 2025-09-21. Review status: criteria provided, single submitter. Criteria: Invitae Variant Classification Sherloc (09022015). Collection method: clinical testing. Allele origin: germline.

Blueprint Genetics
Classification: Likely benign. Last evaluated: 2024-10-14. Review status: criteria provided, single submitter. Criteria: ACMG Guidelines, 2015. Collection method: clinical testing. Allele origin: germline.

CeGaT Center for Human Genetics Tuebingen
Classification: Likely benign. Last evaluated: 2024-01-01. Review status: criteria provided, single submitter. Criteria: CeGaT Center For Human Genetics Tuebingen Variant Classification Criteria Version 2. Collection method: clinical testing. Allele origin: germline. Affected: yes. Observed: 1 variant allele.
Comment: KATNIP: BP4, BP7